The following is an entry in ClinVar:

ClinVar aggregate classification (germline): Uncertain significance. Review status: criteria provided, multiple submitters, no conflicts (2 of 4 stars). 2 submissions from 2 submitters: Uncertain significance (2). Last evaluated 2023-11-09.

Conditions:
Inborn genetic diseases. Identifiers: MedGen C0950123, MeSH D030342.

Allele frequency attached by ClinVar (database versions not stated): gnomAD exomes 0.00005 and 0.00011; ExAC 0.00006; gnomAD 0.00007 and 0.00008; TOPMed 0.00008; ESP Exome Variant Server 0.00015.
gnomAD v4.1: 163 of 1,614,000 alleles (0.01%); highest among the groups gnomAD compares: Non-Finnish European, 0.013%; no homozygotes.

Submissions (2):

Ambry Genetics
Classification: Uncertain significance for Inborn genetic diseases. Last evaluated: 2023-11-09. Review status: criteria provided, single submitter. Criteria: Ambry Variant Classification Scheme 2023. Collection method: clinical testing. Allele origin: germline.

Labcorp Genetics (formerly Invitae), Labcorp
Classification: Uncertain significance. Last evaluated: 2021-09-24. Review status: criteria provided, single submitter. Criteria: Invitae Variant Classification Sherloc (09022015). Collection method: clinical testing. Allele origin: germline.
Comment: This sequence change replaces glutamine with proline at codon 226 of the CHUK protein (p.Gln226Pro). The glutamine residue is highly conserved and there is a moderate physicochemical difference between glutamine and proline. This variant is present in population databases (rs369262180, ExAC 0.01%). This variant has not been reported in the literature in individuals with CHUK-related conditions. Algorithms developed to predict the effect of missense changes on protein structure and function are either unavailable or do not agree on the potential impact of this missense change (SIFT: "Not Available"; PolyPhen-2: "Probably Damaging"; Align-GVGD: "Not Available"). In summary, the available evidence is currently insufficient to determine the role of this variant in disease. Therefore, it has been classified as a Variant of Uncertain Significance.

NM_001278.5(CHUK):c.677A>C (p.Gln226Pro)

Gene: CHUK (component of inhibitor of nuclear factor kappa B kinase complex; minus strand). Cytogenetic location: 10q24.31.
Variant type: single nucleotide variant.
Coding change: c.677A>C on transcript NM_001278.5 (MANE Select); coding-DNA position 677, A replaced by C.
Protein change: p.Gln226Pro; replaces glutamine 226 with proline.
Molecular consequence: missense variant.
Genome position (GRCh38, 1-based): chr10:100,219,020, T>G on the plus strand (A>C on the coding strand, the complement: CHUK is on the minus strand). VCF-style: chr10-100219020-T-G. GRCh37 (hg19) VCF-style: chr10-101978777-T-G.
Other names: c.677A>C, p.Gln226Pro (NM_001320928.2); c.677A>C (NM_001278.3); short protein forms Q226P.
Identifiers: ClinVar variation 1385143 (VCV001385143.6), dbSNP rs369262180, ClinGen allele CA5646618.